The following is an entry in ClinVar:

NM_170707.4(LMNA):c.604G>T (p.Glu202Ter)

Gene: LMNA (lamin A/C; plus strand). Cytogenetic location: 1q22.
Variant type: single nucleotide variant.
Coding change: c.604G>T on transcript NM_170707.4 (MANE Select); coding-DNA position 604, G replaced by T.
Protein change: p.Glu202Ter; replaces glutamic acid 202 with a stop codon.
Molecular consequence: nonsense.
Genome position (GRCh38, 1-based): chr1:156,134,493, G>T. VCF-style: chr1-156134493-G-T. GRCh37 (hg19) VCF-style: chr1-156104284-G-T.
Other names: c.268G>T, p.Glu90Ter (NM_001257374.3, NM_001406989.1, NM_001406998.1); c.361G>T, p.Glu121Ter (NM_001282624.2, NM_001406986.1, NM_001406987.1); c.604G>T, p.Glu202Ter (NM_001282625.2, NM_001282626.2, NM_001406983.1 and 6 more transcripts); c.307G>T, p.Glu103Ter (NM_001406988.1); c.46G>T, p.Glu16Ter (NM_001406990.1, NM_001406993.1, NM_001406995.1 and 4 more transcripts); c.-61G>T (NM_001406994.1, NM_001406999.1, NM_001407000.1 and 1 more transcripts); c.604G>T (NM_170707.3); short protein forms E103*, E16*, E202*, E121*, E90*.
Identifiers: ClinVar variation 1993944 (VCV001993944.5), dbSNP rs2527968047, ClinGen allele CA342817019.

ClinVar aggregate classification (germline): Pathogenic/Likely pathogenic. Review status: criteria provided, multiple submitters, no conflicts (2 of 4 stars). 2 submissions from 2 submitters: Pathogenic (1); Likely pathogenic (1). Last evaluated 2024-05-15.

Conditions:
Charcot-Marie-Tooth disease type 2. Also called: Charcot-Marie-Tooth type 2. Identifiers: Orphanet 64746, MedGen C0270914, MONDO:0018993.
Cardiovascular phenotype. Identifiers: MedGen CN230736.

Submissions (2):

Molecular Diagnostic Laboratory for Inherited Cardiovascular Disease, Montreal Heart Institute
Classification: Likely pathogenic for Cardiovascular phenotype. Last evaluated: 2024-05-15. Review status: criteria provided, single submitter. Criteria: ACMG Guidelines, 2015. Collection method: clinical testing. Allele origin: germline. Affected: yes.
Comment: PVS1, PM2

Labcorp Genetics (formerly Invitae), Labcorp
Classification: Pathogenic for Charcot-Marie-Tooth disease type 2. Last evaluated: 2022-05-13. Review status: criteria provided, single submitter. Criteria: Invitae Variant Classification Sherloc (09022015). Collection method: clinical testing. Allele origin: germline.
Comment: For these reasons, this variant has been classified as Pathogenic. This variant has not been reported in the literature in individuals affected with LMNA-related conditions. This variant is not present in population databases (gnomAD no frequency). This sequence change creates a premature translational stop signal (p.Glu202*) in the LMNA gene. It is expected to result in an absent or disrupted protein product. Loss-of-function variants in LMNA are known to be pathogenic (PMID: 18585512, 18926329).

Literature cited by the submitters: PubMed 18585512 (cited by Labcorp Genetics (formerly Invitae), Labcorp); PubMed 18926329 (cited by Labcorp Genetics (formerly Invitae), Labcorp).